The following is an entry in ClinVar:

ClinVar aggregate classification (germline): Uncertain significance. Review status: criteria provided, multiple submitters, no conflicts (2 of 4 stars). 2 submissions from 2 submitters: Uncertain significance (2). Last evaluated 2023-11-30.

Conditions:
Bethlem myopathy 1A. Also called: MYOPATHY, BENIGN CONGENITAL, WITH CONTRACTURES; Bethlem myopathy 1; Bethlem Muscular Dystrophy. Identifiers: Orphanet 610, MedGen CN029274, MONDO:0024530, OMIM 158810.

Allele frequency attached by ClinVar (database versions not stated): gnomAD exomes below 0.00001.
gnomAD v4.1: 2 of 1,614,210 alleles (0.00012%); highest among the groups gnomAD compares: Non-Finnish European, 0.00017%; no homozygotes.

Submissions (2):

Blueprint Genetics
Classification: Uncertain significance. Last evaluated: 2023-11-30. Review status: criteria provided, single submitter. Criteria: ACMG Guidelines, 2015. Collection method: clinical testing. Allele origin: germline.

Labcorp Genetics (formerly Invitae), Labcorp
Classification: Uncertain significance for Bethlem myopathy 1A. Last evaluated: 2022-04-14. Review status: criteria provided, single submitter. Criteria: Invitae Variant Classification Sherloc (09022015). Collection method: clinical testing. Allele origin: germline.
Comment: This sequence change replaces lysine, which is basic and polar, with glutamine, which is neutral and polar, at codon 976 of the COL6A3 protein (p.Lys976Gln). This variant is not present in population databases (gnomAD no frequency). This variant has not been reported in the literature in individuals affected with COL6A3-related conditions. Algorithms developed to predict the effect of missense changes on protein structure and function are either unavailable or do not agree on the potential impact of this missense change (SIFT: "Tolerated"; PolyPhen-2: "Probably Damaging"; Align-GVGD: "Class C0"). In summary, the available evidence is currently insufficient to determine the role of this variant in disease. Therefore, it has been classified as a Variant of Uncertain Significance.

NM_004369.4(COL6A3):c.2926A>C (p.Lys976Gln)

Gene: COL6A3 (collagen type VI alpha 3 chain; minus strand). Cytogenetic location: 2q37.3.
Variant type: single nucleotide variant.
Coding change: c.2926A>C on transcript NM_004369.4 (MANE Select); coding-DNA position 2926, A replaced by C.
Protein change: p.Lys976Gln; replaces lysine 976 with glutamine.
Molecular consequence: missense variant.
Genome position (GRCh38, 1-based): chr2:237,376,916, T>G on the plus strand (A>C on the coding strand, the complement: COL6A3 is on the minus strand). VCF-style: chr2-237376916-T-G. GRCh37 (hg19) VCF-style: chr2-238285559-T-G.
Other names: c.1705A>C, p.Lys569Gln (NM_057164.5); c.2308A>C, p.Lys770Gln (NM_057165.5, NM_057167.4); c.1105A>C, p.Lys369Gln (NM_057166.5); short protein forms K569Q, K770Q, K369Q, K976Q.
Identifiers: ClinVar variation 2116249 (VCV002116249.5), dbSNP rs2469913242, ClinGen allele CA351208737.